The following is an entry in ClinVar:

NM_003283.6(TNNT1):c.452del (p.Lys151fs)

Gene: TNNT1 (troponin T1, slow skeletal type; minus strand). Cytogenetic location: 19q13.42.
Variant type: Deletion.
Coding change: c.452del on transcript NM_003283.6 (MANE Select); coding-DNA position 452, one base deleted (A; older notation c.452delA).
Protein change: p.Lys151fs; shifts the reading frame from lysine 151.
Molecular consequence: frameshift variant.
Genome position (GRCh38, 1-based): chr19:55,138,010, T deleted on the plus strand (A on the coding strand, the reverse complement: TNNT1 is on the minus strand); the first of 5 consecutive T bases (chr19:55,138,010-55,138,014); deleting any one gives the same sequence. VCF-style (leftmost placement, unchanged base first): chr19-55138009-CT-C. GRCh37 (hg19) VCF-style: chr19-55649377-CT-C.
Other names: c.452del, p.Lys151fs (NM_001126132.3); c.419del, p.Lys140fs (NM_001126133.3, NM_001291774.2); short protein forms K151fs, K140fs.
Identifiers: ClinVar variation 978511 (VCV000978511.8), dbSNP rs2085385176, ClinGen allele CA1139666602.

ClinVar aggregate classification (germline): Pathogenic/Likely pathogenic. Review status: criteria provided, multiple submitters, no conflicts (2 of 4 stars). 2 submissions from 2 submitters: Pathogenic (1); Likely pathogenic (1). Last evaluated 2025-08-19.

Conditions:
Nemaline myopathy 5 (NEM5A). Also called: NEMALINE MYOPATHY, AMISH TYPE; NEMALINE MYOPATHY 5A, AUTOSOMAL RECESSIVE, SEVERE INFANTILE; Nemaline myopathy 5, Amish type. Identifiers: Orphanet 98902, MedGen C1854380, MONDO:0011539, OMIM 605355.

Submissions (2):

Labcorp Genetics (formerly Invitae), Labcorp
Classification: Pathogenic for Nemaline myopathy 5. Last evaluated: 2025-08-19. Review status: criteria provided, single submitter. Criteria: Invitae Variant Classification Sherloc (09022015). Collection method: clinical testing. Allele origin: germline.
Comment: This sequence change creates a premature translational stop signal (p.Lys151Argfs*31) in the TNNT1 gene. It is expected to result in an absent or disrupted protein product. Loss-of-function variants in TNNT1 are known to be pathogenic (PMID: 10952871, 24689076, 25430424). This variant is not present in population databases (gnomAD no frequency). This variant has not been reported in the literature in individuals affected with TNNT1-related conditions. ClinVar contains an entry for this variant (Variation ID: 978511). For these reasons, this variant has been classified as Pathogenic.

Revvity Omics, Revvity
Classification: Likely pathogenic. Last evaluated: 2024-01-25. Review status: criteria provided, single submitter. Criteria: ACMG Guidelines, 2015. Collection method: clinical testing. Allele origin: germline.

Literature cited by the submitters: PubMed 10952871 (cited by Labcorp Genetics (formerly Invitae), Labcorp); PubMed 24689076 (cited by Labcorp Genetics (formerly Invitae), Labcorp); PubMed 25430424 (cited by Labcorp Genetics (formerly Invitae), Labcorp).